The following is an entry in ClinVar:

ClinVar aggregate classification (germline): Uncertain significance (1 of 4 stars; one submission).

Conditions:
Familial intrahepatic cholestasis. Identifiers: Orphanet 284385, MedGen CN296401, MONDO:0017290.

Submission:

Genomenon, Inc
Classification: Uncertain significance for Familial intrahepatic cholestasis. Last evaluated: 2026-04-14. Review status: criteria provided, single submitter. Criteria: Genomenon Sequence Variant Interpretation Standards - Updated. Collection method: curation. Allele origin: germline. Affected: yes.
Comment: ABCB4 p.Ala509Thr (c.1525G>A) is a missense variant that changes the amino acid at residue 509 from Alanine to Threonine. This variant has been observed in at least one proband with an ABCB4-related disorder (PMID:34961929). It is absent or not present at a significant frequency in gnomAD. In silico models predict that this variant is possibly or probably damaging. In conclusion, we classify ABCB4 p.Ala509Thr (c.1525G>A) as a variant of uncertain significance.

Literature cited by the submitters: PubMed 34961929.

NM_000443.4(ABCB4):c.1525G>A (p.Ala509Thr)

Gene: ABCB4 (ATP binding cassette subfamily B member 4; minus strand). Cytogenetic location: 7q21.12.
Variant type: single nucleotide variant.
Coding change: c.1525G>A on transcript NM_000443.4 (MANE Select); coding-DNA position 1525, G replaced by A.
Protein change: p.Ala509Thr; replaces alanine 509 with threonine.
Molecular consequence: missense variant.
Genome position (GRCh38, 1-based): chr7:87,440,234, C>T on the plus strand (G>A on the coding strand, the complement: ABCB4 is on the minus strand). VCF-style: chr7-87440234-C-T. GRCh37 (hg19) VCF-style: chr7-87069550-C-T.
Other names: c.1525G>A, p.Ala509Thr (NM_018849.3, NM_018850.3); short protein forms A509T.
Identifiers: ClinVar variation 4846397 (VCV004846397.1).
Genomic context (GRCh38, chr7:87,440,234, plus strand): 5'-ACAACTACTTTATCAGAGGCTTTACCTGTGGTAATTTCATGATAAACTCATAGGCGTTGG[C>T]CTCTTTGACAGCTTTCTTTATCTCATCCATGGTTACATTTCCACGGCCATAACAAATATT-3'
Protein context (NP_000434.1, residues 499-519): MDEIKKAVKE[Ala509Thr]NAYEFIMKLP